The following is an entry in ClinVar:

ClinVar aggregate classification (germline): Uncertain significance. Review status: criteria provided, multiple submitters, no conflicts (2 of 4 stars). 3 submissions from 3 submitters: Uncertain significance (3). Last evaluated 2025-08-17.

Conditions:
Malignant hyperthermia, susceptibility to, 5 (MHS5). Also called: CACNA1S-Related Malignant Hyperthermia Susceptibility. Identifiers: Orphanet 423, MedGen C1866077, MONDO:0011163, OMIM 601887.
Hypokalemic periodic paralysis, type 1. Also called: Hypokalemic Periodic Paralysis Type 1 (AD); HypoPP. Identifiers: Orphanet 681, MedGen C3714580, MONDO:0042979, OMIM 170400.

Allele frequency attached by ClinVar (database versions not stated): gnomAD exomes 0.00002.

Submissions (3):

Color Diagnostics, LLC DBA Color Health
Classification: Uncertain significance for Malignant hyperthermia, susceptibility to, 5. Last evaluated: 2025-08-17. Review status: criteria provided, single submitter. Criteria: ACMG Guidelines, 2015. Collection method: clinical testing. Allele origin: germline.
Comment: This missense variant replaces glycine with aspartic acid at codon 1285 of the CACNA1S protein. Computational prediction suggests that this variant may have deleterious impact on protein structure and function. To our knowledge, functional studies have not been reported for this variant. This variant has not been reported in individuals affected with CACNA1S-related disorders in the literature. This variant has not been identified in the general population by the Genome Aggregation Database (gnomAD). The available evidence is insufficient to determine the role of this variant in disease conclusively. Therefore, this variant is classified as a Variant of Uncertain Significance.

All of Us Research Program, National Institutes of Health
Classification: Uncertain significance for Malignant hyperthermia, susceptibility to, 5. Last evaluated: 2023-05-31. Review status: criteria provided, single submitter. Criteria: ACMG Guidelines, 2015. Collection method: clinical testing. Allele origin: germline. Inheritance: Autosomal dominant inheritance. Observed: 1 variant allele, 1 heterozygote.
Comment: This study involves interpretation of variants in research participants for the purpose of population health screening. Participant phenotype was not available at the time of variant classification. Additional details can be found in publication PMID: 35346344, PMCID: PMC8962531

Labcorp Genetics (formerly Invitae), Labcorp
Classification: Uncertain significance for Hypokalemic periodic paralysis, type 1; Malignant hyperthermia, susceptibility to, 5. Last evaluated: 2023-03-24. Review status: criteria provided, single submitter. Criteria: Invitae Variant Classification Sherloc (09022015). Collection method: clinical testing. Allele origin: germline.
Comment: In summary, the available evidence is currently insufficient to determine the role of this variant in disease. Therefore, it has been classified as a Variant of Uncertain Significance. Advanced modeling of protein sequence and biophysical properties (such as structural, functional, and spatial information, amino acid conservation, physicochemical variation, residue mobility, and thermodynamic stability) performed at Invitae indicates that this missense variant is expected to disrupt CACNA1S protein function. This missense change has been observed in individual(s) with clinical features of congenital myopathy (Invitae). In at least one individual the data is consistent with being in trans (on the opposite chromosome) from a pathogenic variant. This variant is not present in population databases (gnomAD no frequency). This sequence change replaces glycine, which is neutral and non-polar, with aspartic acid, which is acidic and polar, at codon 1285 of the CACNA1S protein (p.Gly1285Asp).

NM_000069.3(CACNA1S):c.3854G>A (p.Gly1285Asp)

Gene: CACNA1S (calcium voltage-gated channel subunit alpha1 S; minus strand). Cytogenetic location: 1q32.1.
Variant type: single nucleotide variant.
Coding change: c.3854G>A on transcript NM_000069.3 (MANE Select); coding-DNA position 3854, G replaced by A.
Protein change: p.Gly1285Asp; replaces glycine 1285 with aspartic acid.
Molecular consequence: missense variant.
Genome position (GRCh38, 1-based): chr1:201,053,216, C>T on the plus strand (G>A on the coding strand, the complement: CACNA1S is on the minus strand). VCF-style: chr1-201053216-C-T. GRCh37 (hg19) VCF-style: chr1-201022344-C-T.
Other names: short protein forms G1285D.
Identifiers: ClinVar variation 2925772 (VCV002925772.5), dbSNP rs2464458607, ClinGen allele CA344153157.